The following is an entry in ClinVar:

NM_032237.5(POMK):c.373A>T (p.Met125Leu)

Gene: POMK (protein O-mannose kinase; plus strand). Cytogenetic location: 8p11.21.
Variant type: single nucleotide variant.
Coding change: c.373A>T on transcript NM_032237.5 (MANE Select); coding-DNA position 373, A replaced by T.
Protein change: p.Met125Leu; replaces methionine 125 with leucine.
Molecular consequence: missense variant.
Genome position (GRCh38, 1-based): chr8:43,122,197, A>T. VCF-style: chr8-43122197-A-T. GRCh37 (hg19) VCF-style: chr8-42977340-A-T.
Other names: c.373A>T, p.Met125Leu (NM_001277971.2); short protein forms M125L.
Identifiers: ClinVar variation 436703 (VCV000436703.16), dbSNP rs146303063, ClinGen allele CA4736276.
Genomic context (GRCh38, chr8:43,122,197, plus strand): 5'-GTTGCACTCTCACAGCTCACCAGCCTGGAGATGAAAGATGATTTCCTCCATGGACTGCAG[A>T]TGCTGAAATCTCTCCAAGGCACACATGTTGTCACGCTGCTTGGCTATTGTGAGGATGACA-3'
Protein context (NP_115613.1, residues 115-135): MKDDFLHGLQ[Met125Leu]LKSLQGTHVV

ClinVar aggregate classification (germline): Conflicting classifications of pathogenicity. Review status: criteria provided, conflicting classifications (1 of 4 stars). 3 submissions from 3 submitters: Uncertain significance (1); Likely benign (1). 1 of the submissions does not count toward it. Last evaluated 2025-12-02.

Conditions:
POMK-related disorder. Also called: POMK-related condition.
Muscular dystrophy-dystroglycanopathy (congenital with brain and eye anomalies), type a, 12 (MDDGA12). Also called: WALKER-WARBURG SYNDROME OR MUSCLE-EYE-BRAIN DISEASE, POMK-RELATED. Identifiers: Orphanet 899, MedGen C3808964, MONDO:0014101, OMIM 615249.
Limb-girdle muscular dystrophy due to POMK deficiency. Also called: MUSCULAR DYSTROPHY-DYSTROGLYCANOPATHY, LIMB-GIRDLE, POMK-RELATED; Muscular dystrophy-dystroglycanopathy (limb-girdle), type c, 12. Identifiers: Orphanet 445110, MedGen C4015184, MONDO:0014489, OMIM 616094.

Allele frequency attached by ClinVar (database versions not stated): gnomAD 0.00017 and 0.00018; TOPMed 0.00017; ESP Exome Variant Server 0.00023; gnomAD exomes 0.00031; ExAC 0.00012.

Submissions (3):

Labcorp Genetics (formerly Invitae), Labcorp
Classification: Likely benign for Muscular dystrophy-dystroglycanopathy (congenital with brain and eye anomalies), type a, 12; Limb-girdle muscular dystrophy due to POMK deficiency. Last evaluated: 2025-12-02. Review status: criteria provided, single submitter. Criteria: Invitae Variant Classification Sherloc (09022015). Collection method: clinical testing. Allele origin: germline.

Genetic Services Laboratory, University of Chicago
Classification: Uncertain significance. Last evaluated: 2015-10-28. Review status: criteria provided, single submitter. Criteria: ACMG Guidelines, 2015. Collection method: clinical testing. Allele origin: germline. Affected: no.

PreventionGenetics, part of Exact Sciences
Classification: Likely benign for POMK-related condition. Last evaluated: 2019-11-25. Review status: no assertion criteria provided. Collection method: clinical testing. Allele origin: germline. Not counted in ClinVar's aggregate classification.
Comment: This variant is classified as likely benign based on ACMG/AMP sequence variant interpretation guidelines (Richards et al. 2015 PMID: 25741868, with internal and published modifications).